The following is an entry in ClinVar:

NM_001048174.2(MUTYH):c.980T>A (p.Val327Glu)

Gene: MUTYH (mutY DNA glycosylase; minus strand). Cytogenetic location: 1p34.1.
Variant type: single nucleotide variant.
Coding change: c.980T>A on transcript NM_001048174.2 (MANE Select); coding-DNA position 980, T replaced by A.
Protein change: p.Val327Glu; replaces valine 327 with glutamic acid.
Molecular consequence: missense variant. On other transcripts: non-coding transcript variant (7).
Genome position (GRCh38, 1-based): chr1:45,331,783, A>T on the plus strand (T>A on the coding strand, the complement: MUTYH is on the minus strand). VCF-style: chr1-45331783-A-T. GRCh37 (hg19) VCF-style: chr1-45797455-A-T.
Other names: c.980T>A, p.Val327Glu (NM_001048171.2, NM_001048173.2, NM_001293195.2 and 6 more transcripts); c.983T>A, p.Val328Glu (NM_001048172.2, NM_001407071.1, NM_001407078.1 and 1 more transcripts); c.1064T>A, p.Val355Glu (NM_001128425.2); c.1025T>A, p.Val342Glu (NM_001293190.2); c.1013T>A, p.Val338Glu (NM_001293191.2, NM_001407069.1, NM_001407077.1); c.704T>A, p.Val235Glu (NM_001293192.2, NM_001293196.2, NM_001407091.1); c.635T>A, p.Val212Glu (NM_001350650.2, NM_001350651.2, NM_001407082.1); c.896T>A, p.Val299Glu (NM_001407075.1); and 5 more; short protein forms V313E, V327E, V334E, V341E, V338E, V212E, V299E, V314E.
Identifiers: ClinVar variation 4112975 (VCV004112975.1).

ClinVar aggregate classification (germline): Uncertain significance (1 of 4 stars; one submission).

Conditions:
Hereditary cancer-predisposing syndrome. Also called: Tumor predisposition; Neoplastic Syndromes, Hereditary; Hereditary neoplastic syndrome; Hereditary Cancer Syndrome. Identifiers: Orphanet 140162, MedGen C0027672, MeSH D009386, MONDO:0015356.

Submission:

Ambry Genetics
Classification: Uncertain significance for Hereditary cancer-predisposing syndrome. Last evaluated: 2025-08-27. Review status: criteria provided, single submitter. Criteria: Ambry Variant Classification Scheme 2023. Collection method: clinical testing. Allele origin: germline.
Comment: The p.V355E variant (also known as c.1064T>A), located in coding exon 12 of the MUTYH gene, results from a T to A substitution at nucleotide position 1064. The valine at codon 355 is replaced by glutamic acid, an amino acid with dissimilar properties. This amino acid position is conserved. In addition, this alteration is predicted to be deleterious by in silico analysis. Based on the available evidence, the clinical significance of this variant remains unclear.